The following is an entry in ClinVar:

ClinVar aggregate classification (germline): Uncertain significance (1 of 4 stars; one submission).

Submission:

Greenwood Genetic Center Diagnostic Laboratories, Greenwood Genetic Center
Classification: Uncertain significance. Last evaluated: 2022-06-13. Review status: criteria provided, single submitter. Criteria: ACMG Guidelines, 2015. Collection method: clinical testing. Allele origin: germline. Affected: yes.
Comment: PM2

NM_015570.4(AUTS2):c.522+32G>A

Gene: AUTS2 (activator of transcription and developmental regulator AUTS2; plus strand). Cytogenetic location: 7q11.22.
Variant type: single nucleotide variant.
Coding change: c.522+32G>A on transcript NM_015570.4 (MANE Select); 32 bases into the intron after coding-DNA position 522, G replaced by A.
Molecular consequence: intron variant.
Genome position (GRCh38, 1-based): chr7:69,899,530, G>A. VCF-style: chr7-69899530-G-A. GRCh37 (hg19) VCF-style: chr7-69364516-G-A.
Other names: c.522+32G>A (NM_001127231.3, NM_001127232.3).
Identifiers: ClinVar variation 1703103 (VCV001703103.3), dbSNP rs2486560278, ClinGen allele CA2580077321.
Genomic context (GRCh38, chr7:69,899,530, plus strand): 5'-GAAAGAAAATGCCGAAGGCACTCAGACAGGTGAGGAAGCTTGGGTTCGCTCTTTCCTGTG[G>A]CGGCAAAATCCCTTCCTTAGGTGCTTCCTCCACTGTGGTTTTTCGTAACAGGTGGAGAAG-3'